The following is an entry in ClinVar:

ClinVar aggregate classification (germline): Uncertain significance (1 of 4 stars; one submission).

Submission:

GeneDx
Classification: Uncertain significance. Last evaluated: 2025-04-07. Review status: criteria provided, single submitter. Criteria: GeneDx Variant Classification Process June 2021. Collection method: clinical testing. Allele origin: germline. Affected: yes.
Comment: Not observed at significant frequency in large population cohorts (gnomAD); In silico analysis supports that this missense variant has a deleterious effect on protein structure/function; Has not been previously published as pathogenic or benign to our knowledge

NM_001195263.2(PDZD7):c.2143C>T (p.Pro715Ser)

Gene: PDZD7 (PDZ domain containing 7; minus strand). Cytogenetic location: 10q24.31.
Variant type: single nucleotide variant.
Coding change: c.2143C>T on transcript NM_001195263.2 (MANE Select); coding-DNA position 2143, C replaced by T.
Protein change: p.Pro715Ser; replaces proline 715 with serine.
Molecular consequence: missense variant.
Genome position (GRCh38, 1-based): chr10:101,010,746, G>A on the plus strand (C>T on the coding strand, the complement: PDZD7 is on the minus strand). VCF-style: chr10-101010746-G-A. GRCh37 (hg19) VCF-style: chr10-102770503-G-A.
Other names: c.2140C>T, p.Pro714Ser (NM_001437429.1); short protein forms P714S, P715S.
Identifiers: ClinVar variation 4281721 (VCV004281721.1).